The following is an entry in ClinVar:

NM_000142.5(FGFR3):c.1413-29A>G

Gene: FGFR3 (fibroblast growth factor receptor 3; plus strand). Cytogenetic location: 4p16.3.
Variant type: single nucleotide variant.
Coding change: c.1413-29A>G on transcript NM_000142.5 (MANE Select); 29 bases into the intron before coding-DNA position 1413, A replaced by G.
Molecular consequence: intron variant.
Genome position (GRCh38, 1-based): chr4:1,805,326, A>G. VCF-style: chr4-1805326-A-G. GRCh37 (hg19) VCF-style: chr4-1807053-A-G.
Other names: c.1419-29A>G (NM_001163213.2); c.1416-29A>G (NM_001354809.2, NM_001354810.2); c.1077-29A>G (NM_022965.4).
Identifiers: ClinVar variation 675144 (VCV000675144.2), dbSNP rs3135894, ClinGen allele CA2810388.

ClinVar aggregate classification (germline): Benign. Review status: criteria provided, multiple submitters, no conflicts (2 of 4 stars). 2 submissions from 2 submitters: Benign (2). Last evaluated 2018-06-14.

Allele frequency attached by ClinVar (database versions not stated): 1000 Genomes Project 30x 0.03201; 1000 Genomes Project 0.03235; TOPMed 0.03292; ESP Exome Variant Server 0.03417.
gnomAD v4.1: 9,052 of 1,608,618 alleles (0.56%); highest among the groups gnomAD compares: African/African-American, 10%; 415 homozygotes.

Submissions (2):

GeneDx
Classification: Benign. Last evaluated: 2018-06-14. Review status: criteria provided, single submitter. Criteria: GeneDx Variant Classification (06012015). Collection method: clinical testing. Allele origin: germline. Affected: yes.
Comment: This variant is considered likely benign or benign based on one or more of the following criteria: it is a conservative change, it occurs at a poorly conserved position in the protein, it is predicted to be benign by multiple in silico algorithms, and/or has population frequency not consistent with disease.

Breakthrough Genomics
Classification: Benign. Review status: criteria provided, single submitter. Criteria: ACMG Guidelines, 2015. Collection method: not provided. Allele origin: germline. Inheritance: Autosomal dominant inheritance. Affected: yes.